The following is an entry in ClinVar:

ClinVar aggregate classification (germline): Uncertain significance (1 of 4 stars; one submission).

Submission:

GeneDx
Classification: Uncertain significance. Last evaluated: 2023-01-17. Review status: criteria provided, single submitter. Criteria: GeneDx Variant Classification Process June 2021. Collection method: clinical testing. Allele origin: germline. Affected: yes.
Comment: Not observed at significant frequency in large population cohorts (gnomAD); In silico analysis supports that this missense variant has a deleterious effect on protein structure/function; Has not been previously published as pathogenic or benign to our knowledge

NM_002024.6(FMR1):c.358C>A (p.Pro120Thr)

Gene: FMR1 (fragile X messenger ribonucleoprotein 1; plus strand). Cytogenetic location: Xq27.3.
Variant type: single nucleotide variant.
Coding change: c.358C>A on transcript NM_002024.6 (MANE Select); coding-DNA position 358, C replaced by A.
Protein change: p.Pro120Thr; replaces proline 120 with threonine.
Molecular consequence: missense variant. On other transcripts: non-coding transcript variant (2).
Genome position (GRCh38, 1-based): chrX:147,928,746, C>A. VCF-style: chrX-147928746-C-A. GRCh37 (hg19) VCF-style: chrX-147010264-C-A.
Other names: c.358C>A, p.Pro120Thr (NM_001185075.2, NM_001185076.2, NM_001185081.2 and 1 more transcripts); short protein forms P120T.
Identifiers: ClinVar variation 2573912 (VCV002573912.1), dbSNP rs2521315622, ClinGen allele CA414436683.
Genomic context (GRCh38, chrX:147,928,746, plus strand): 5'-GATGCAACTTACAATGAAATTGTCACAATTGAACGTCTAAGATCTGTTAATCCCAACAAA[C>A]CTGCCACAAAAGATACTTTCCATAAGATCAAGCTGGATGTGCCAGAAGACTTACGGCAAA-3'
Protein context (NP_002015.1, residues 110-130): ERLRSVNPNK[Pro120Thr]ATKDTFHKIK